The following is an entry in ClinVar:

NM_006914.4(RORB):c.248G>A (p.Gly83Glu)

Gene: RORB (RAR related orphan receptor B; plus strand). Cytogenetic location: 9q21.13.
Variant type: single nucleotide variant.
Coding change: c.248G>A on transcript NM_006914.4 (MANE Select); coding-DNA position 248, G replaced by A.
Protein change: p.Gly83Glu; replaces glycine 83 with glutamic acid.
Molecular consequence: missense variant.
Genome position (GRCh38, 1-based): chr9:74,642,426, G>A. VCF-style: chr9-74642426-G-A. GRCh37 (hg19) VCF-style: chr9-77257342-G-A.
Other names: c.281G>A, p.Gly94Glu (NM_001365023.1); short protein forms G83E, G94E.
Identifiers: ClinVar variation 1369682 (VCV001369682.8), dbSNP rs2118462083, ClinGen allele CA373769430.
Genomic context (GRCh38, chr9:74,642,426, plus strand): 5'-GCGAATGATAACCACAAGTGCTGTTTTCTGCTTTTCTCTCCAACCCAGCTGTGAAGTTTG[G>A]GAGGATGTCCAAGAAGCAAAGGGACAGCCTGTATGCTGAGGTGCAGAAGCACCAGCAGCG-3'
Protein context (NP_008845.2, residues 73-93): LGMSRDAVKF[Gly83Glu]RMSKKQRDSL

ClinVar aggregate classification (germline): Uncertain significance (1 of 4 stars; one submission).

Submission:

Labcorp Genetics (formerly Invitae), Labcorp
Classification: Uncertain significance. Last evaluated: 2021-05-05. Review status: criteria provided, single submitter. Criteria: Invitae Variant Classification Sherloc (09022015). Collection method: clinical testing. Allele origin: germline.
Comment: This sequence change replaces glycine with glutamic acid at codon 83 of the RORB protein (p.Gly83Glu). The glycine residue is highly conserved and there is a moderate physicochemical difference between glycine and glutamic acid. In summary, the available evidence is currently insufficient to determine the role of this variant in disease. Therefore, it has been classified as a Variant of Uncertain Significance. Algorithms developed to predict the effect of missense changes on protein structure and function are either unavailable or do not agree on the potential impact of this missense change (SIFT: "Deleterious"; PolyPhen-2: "Probably Damaging"; Align-GVGD: "Class C0"). This variant has not been reported in the literature in individuals with RORB-related conditions. This variant is not present in population databases (ExAC no frequency).